The following is an entry in ClinVar:

NM_002156.5(HSPD1):c.397A>G (p.Lys133Glu)

Gene: HSPD1 (heat shock protein family D (Hsp60) member 1; minus strand). Cytogenetic location: 2q33.1.
Variant type: single nucleotide variant.
Coding change: c.397A>G on transcript NM_002156.5 (MANE Select); coding-DNA position 397, A replaced by G.
Protein change: p.Lys133Glu; replaces lysine 133 with glutamic acid.
Molecular consequence: missense variant.
Genome position (GRCh38, 1-based): chr2:197,497,170, T>C on the plus strand (A>G on the coding strand, the complement: HSPD1 is on the minus strand). VCF-style: chr2-197497170-T-C. GRCh37 (hg19) VCF-style: chr2-198361894-T-C.
Other names: p.K133E:AAA>GAA; c.397A>G, p.Lys133Glu (NM_199440.2); short protein forms K133E.
Identifiers: ClinVar variation 214550 (VCV000214550.2), dbSNP rs863224042, ClinGen allele CA322284.

ClinVar aggregate classification (germline): Likely pathogenic (1 of 4 stars; one submission).

Submission:

GeneDx
Classification: Likely pathogenic. Last evaluated: 2014-03-22. Review status: criteria provided, single submitter. Criteria: GeneDx Variant Classification (06012015). Collection method: clinical testing. Allele origin: germline. Affected: yes.
Comment: p.Lys133Glu (AAA>GAA): c.397 A>G in exon 3 of the HSPD1 gene (NM_002156.4). The K133E variant has not been published as a mutation, nor has it been reported as a benign polymorphism to our knowledge. The K133E variant was not observed in approximately 6500 individuals of European and African American ancestry in the NHLBI Exome Sequencing Project, indicating it is not a common benign variant in these populations. The K133E variant is a non-conservative amino acid substitution, which is likely to impact secondary protein structure as these residues differ in polarity, charge, size and/or other properties. This substitution occurs at a position that is highly conserved across species. In silico analysis predicts this variant is probably damaging to the protein structure/function. Therefore, this variant is a strong candidate for a pathogenic mutation, however the possibility that it is a benign variant cannot be excluded. The variant is found in MITONUC-MITOP panel(s).